The following is an entry in ClinVar:

NM_005050.4(ABCD4):c.505T>C (p.Phe169Leu)

Gene: ABCD4 (ATP binding cassette subfamily D member 4; minus strand). Cytogenetic location: 14q24.3.
Variant type: single nucleotide variant.
Coding change: c.505T>C on transcript NM_005050.4 (MANE Select); coding-DNA position 505, T replaced by C.
Protein change: p.Phe169Leu; replaces phenylalanine 169 with leucine.
Molecular consequence: missense variant. On other transcripts: non-coding transcript variant (10), synonymous variant (3), 5 prime UTR variant (9).
Genome position (GRCh38, 1-based): chr14:74,296,370, A>G on the plus strand (T>C on the coding strand, the complement: ABCD4 is on the minus strand). VCF-style: chr14-74296370-A-G. GRCh37 (hg19) VCF-style: chr14-74763073-A-G.
Other names: c.505T>C, p.Phe169Leu (NM_001353591.2, NM_001353592.2, NM_020325.3); c.244T>C, p.Phe82Leu (NM_001353593.2, NM_001353594.2); c.96T>C, p.Arg32= (NM_001353595.2, NM_001353596.2, NM_001353597.2); c.28T>C, p.Phe10Leu (NM_001353598.2, NM_001353599.2, NM_001353600.2 and 2 more transcripts); c.-185T>C (NM_001353602.2, NM_001353608.2); c.-190T>C (NM_001353603.2, NM_001353604.2, NM_001353605.2 and 4 more transcripts); c.376T>C, p.Phe126Leu (NM_020323.1); c.505T>C (NM_005050.3); short protein forms F10L, F169L, F126L, F82L.
Identifiers: ClinVar variation 1937833 (VCV001937833.6), dbSNP rs765424411, ClinGen allele CA7267198.

ClinVar aggregate classification (germline): Uncertain significance. Review status: criteria provided, multiple submitters, no conflicts (2 of 4 stars). 2 submissions from 2 submitters: Uncertain significance (2). Last evaluated 2024-02-17.

Conditions:
Inborn genetic diseases. Identifiers: MedGen C0950123, MeSH D030342.
Methylmalonic acidemia with homocystinuria, type cblJ (MAHCJ). Also called: METHYLMALONIC ACIDURIA AND HOMOCYSTINURIA, cblJ TYPE. Identifiers: Orphanet 369955, MedGen C3553915, MONDO:0013925, OMIM 614857.

Allele frequency attached by ClinVar (database versions not stated): gnomAD 0.00001; gnomAD exomes 0.00001; TOPMed 0.00002; ExAC 0.00006.

Submissions (2):

Ambry Genetics
Classification: Uncertain significance for Inborn genetic diseases. Last evaluated: 2024-02-17. Review status: criteria provided, single submitter. Criteria: Ambry Variant Classification Scheme 2023. Collection method: clinical testing. Allele origin: germline.

Labcorp Genetics (formerly Invitae), Labcorp
Classification: Uncertain significance for Methylmalonic acidemia with homocystinuria, type cblJ. Last evaluated: 2022-05-12. Review status: criteria provided, single submitter. Criteria: Invitae Variant Classification Sherloc (09022015). Collection method: clinical testing. Allele origin: germline.
Comment: This variant has not been reported in the literature in individuals affected with ABCD4-related conditions. Advanced modeling of protein sequence and biophysical properties (such as structural, functional, and spatial information, amino acid conservation, physicochemical variation, residue mobility, and thermodynamic stability) performed at Invitae indicates that this missense variant is expected to disrupt ABCD4 protein function. In summary, the available evidence is currently insufficient to determine the role of this variant in disease. Therefore, it has been classified as a Variant of Uncertain Significance. This variant is present in population databases (rs765424411, gnomAD 0.008%). This sequence change replaces phenylalanine, which is neutral and non-polar, with leucine, which is neutral and non-polar, at codon 169 of the ABCD4 protein (p.Phe169Leu).